The following is an entry in ClinVar:

NM_004924.6(ACTN4):c.819+5C>T

Gene: ACTN4 (actinin alpha 4; plus strand). Cytogenetic location: 19q13.2.
Variant type: single nucleotide variant.
Coding change: c.819+5C>T on transcript NM_004924.6 (MANE Select); 5 bases into the intron after coding-DNA position 819, C replaced by T.
Molecular consequence: intron variant.
Genome position (GRCh38, 1-based): chr19:38,710,347, C>T. VCF-style: chr19-38710347-C-T. GRCh37 (hg19) VCF-style: chr19-39200987-C-T.
Other names: c.733+871C>T (NM_001322033.2).
Identifiers: ClinVar variation 1956489 (VCV001956489.5), dbSNP rs1968603477, ClinGen allele CA2335156705.

ClinVar aggregate classification (germline): Uncertain significance (1 of 4 stars; one submission).

Allele frequency attached by ClinVar (database versions not stated): gnomAD exomes below 0.00001; TOPMed below 0.00001.
gnomAD v4.1: 5 of 1,613,244 alleles (0.00031%); highest among the groups gnomAD compares: East Asian, 0.0022%; no homozygotes.

Submission:

Labcorp Genetics (formerly Invitae), Labcorp
Classification: Uncertain significance. Last evaluated: 2022-08-05. Review status: criteria provided, single submitter. Criteria: Invitae Variant Classification Sherloc (09022015). Collection method: clinical testing. Allele origin: germline.
Comment: This sequence change falls in intron 8 of the ACTN4 gene. It does not directly change the encoded amino acid sequence of the ACTN4 protein. It affects a nucleotide within the consensus splice site. In summary, the available evidence is currently insufficient to determine the role of this variant in disease. Therefore, it has been classified as a Variant of Uncertain Significance. Variants that disrupt the consensus splice site are a relatively common cause of aberrant splicing (PMID: 17576681, 9536098). Algorithms developed to predict the effect of sequence changes on RNA splicing suggest that this variant is not likely to affect RNA splicing. This variant has not been reported in the literature in individuals affected with ACTN4-related conditions. This variant is not present in population databases (gnomAD no frequency).

Literature cited by the submitters: PubMed 17576681; PubMed 9536098.